The following is an entry in ClinVar:

ClinVar aggregate classification (germline): Likely benign (1 of 4 stars; one submission).

gnomAD v4.1: 5 of 1,613,684 alleles (0.00031%); highest among the groups gnomAD compares: East Asian, 0.0067%; no homozygotes.

Submission:

Mayo Clinic Laboratories, Mayo Clinic
Classification: Likely benign. Last evaluated: 2025-10-03. Review status: criteria provided, single submitter. Criteria: ACMG Guidelines, 2015. Collection method: clinical testing. Allele origin: germline. Observed: 1 variant allele.
Comment: BP4, BP7

NM_001846.4(COL4A2):c.1815T>C (p.Tyr605=)

Gene: COL4A2 (collagen type IV alpha 2 chain; plus strand). Cytogenetic location: 13q34.
Variant type: single nucleotide variant.
Coding change: c.1815T>C on transcript NM_001846.4 (MANE Select); coding-DNA position 1815, T replaced by C.
Protein change: p.Tyr605=; no amino-acid change (tyrosine 605 retained).
Molecular consequence: synonymous variant.
Genome position (GRCh38, 1-based): chr13:110,465,443, T>C. VCF-style: chr13-110465443-T-C. GRCh37 (hg19) VCF-style: chr13-111117790-T-C.
Other names: p.Tyr605=.
Identifiers: ClinVar variation 4683835 (VCV004683835.1).